The following is an entry in ClinVar:

NM_004364.5(CEBPA):c.888_889delinsAA (p.Arg297Ser)

Gene: CEBPA (CCAAT enhancer binding protein alpha; minus strand). Cytogenetic location: 19q13.11.
Variant type: Indel.
Coding change: c.888_889delinsAA on transcript NM_004364.5 (MANE Select); coding-DNA positions 888 to 889, GC replaced by AA.
Protein change: p.Arg297Ser; replaces arginine 297 with serine.
Molecular consequence: missense variant.
Genome position (GRCh38, 1-based): chr19:33,301,526-33,301,527, GC replaced by TT on the plus strand (GC replaced by AA on the coding strand, the reverse complement: CEBPA is on the minus strand). VCF-style: chr19-33301526-GC-TT. GRCh37 (hg19) VCF-style: chr19-33792432-GC-TT.
Other names: c.531_532delinsAA, p.Arg178Ser (NM_001285829.2); c.993_994delinsAA, p.Arg332Ser (NM_001287424.2); c.846_847delinsAA, p.Arg283Ser (NM_001287435.2); short protein forms R332S, R178S, R283S, R297S.
Identifiers: ClinVar variation 4000003 (VCV004000003.1).

ClinVar aggregate classification (germline): Uncertain significance (1 of 4 stars; one submission).

Conditions:
Inborn genetic diseases. Identifiers: MedGen C0950123, MeSH D030342.

Submission:

Ambry Genetics
Classification: Uncertain significance for Inborn genetic diseases. Last evaluated: 2025-05-21. Review status: criteria provided, single submitter. Criteria: Ambry Variant Classification Scheme 2023. Collection method: clinical testing. Allele origin: germline.
Comment: The c.888_889delGCinsAA variant (also known as p.R297S), located in coding exon 1 of the CEBPA gene, results from an in-frame deletion of GC and insertion of AA at nucleotide positions 888 to 889. This results in the substitution of the arginine residue for a serine residue at codon 297, an amino acid with dissimilar properties. This amino acid position is highly conserved in available vertebrate species. Based on the available evidence, the clinical significance of this variant remains unclear.